The following is an entry in ClinVar:

NM_018122.5(DARS2):c.549G>A (p.Met183Ile)

Gene: DARS2 (aspartyl-tRNA synthetase 2, mitochondrial; plus strand). Cytogenetic location: 1q25.1.
Variant type: single nucleotide variant.
Coding change: c.549G>A on transcript NM_018122.5 (MANE Select); coding-DNA position 549, G replaced by A.
Protein change: p.Met183Ile; replaces methionine 183 with isoleucine.
Molecular consequence: missense variant.
Genome position (GRCh38, 1-based): chr1:173,833,432, G>A. VCF-style: chr1-173833432-G-A. GRCh37 (hg19) VCF-style: chr1-173802570-G-A.
Other names: NM_018122.5(DARS2):c.549G>A; p.Met183Ile; c.549G>A, p.Met183Ile (NM_001365212.1, NM_001365213.2); short protein forms M183I.
Identifiers: ClinVar variation 225020 (VCV000225020.5), dbSNP rs869312930, ClinGen allele CA358035.

ClinVar aggregate classification (germline): Conflicting classifications of pathogenicity. Review status: criteria provided, conflicting classifications (1 of 4 stars). 2 submissions from 2 submitters: Likely pathogenic (1); Uncertain significance (1). Last evaluated 2025-01-21.

Conditions:
Inborn genetic diseases. Identifiers: MedGen C0950123, MeSH D030342.
Leukoencephalopathy with brain stem and spinal cord involvement-high lactate syndrome (LBSL). Also called: LEUKOENCEPHALOPATHY WITH BRAINSTEM AND SPINAL CORD INVOLVEMENT AND LACTATE ELEVATION, MILD; Leukoencephalopathy with Brainstem and Spinal Cord Involvement and Lactate Elevation; MITOCHONDRIAL ASPARTYL-tRNA SYNTHETASE DEFICIENCY. Identifiers: Orphanet 137898, MedGen C1970180, MONDO:0012622, OMIM 611105.

Allele frequency attached by ClinVar (database versions not stated): gnomAD exomes below 0.00001.

Submissions (2):

Broad Center for Mendelian Genomics, Broad Institute of MIT and Harvard
Classification: Uncertain significance for Leukoencephalopathy with brain stem and spinal cord involvement-high lactate syndrome. Last evaluated: 2025-01-21. Review status: criteria provided, single submitter. Criteria: ACMG Guidelines, 2015. Collection method: curation. Allele origin: germline. Inheritance: Autosomal recessive inheritance.
Comment: The p.Met183Ile variant in DARS2 has been reported in one individual with leukoencephalopathy with brain stem and spinal cord involvement-high lactate syndrome (PMID: 25356970, 26795593), and has been identified in 0.00008% (1/1179872) of European (non-Finnish) chromosomes by the Genome Aggregation Database (gnomAD; dbSNP rs869312930). Although this variant has been seen in the general population in a heterozygous state, its frequency is low enough to be consistent with a recessive carrier frequency. This variant has also been reported in ClinVar (Variation ID: 225020) and has been interpreted as likely pathogenic by Ambry Genetics. Computational prediction tools and conservation analyses do not provide strong support for or against an impact to the protein. In summary, the clinical significance of the p.Met183Ile variant is uncertain. ACMG/AMP Criteria applied: PM2_supporting (Richards 2015).

Ambry Genetics
Classification: Likely pathogenic for Inborn genetic diseases. Last evaluated: 2013-11-12. Review status: criteria provided, single submitter. Criteria: Ambry Autosomal Dominant and X-Linked criteria (10/2015). Collection method: clinical testing. Allele origin: germline. Observed: 1 variant allele.